The following is an entry in ClinVar:

ClinVar aggregate classification (germline): Conflicting classifications of pathogenicity. Review status: criteria provided, conflicting classifications (1 of 4 stars). 3 submissions from 2 submitters: Uncertain significance (2); Benign (1). Last evaluated 2018-01-15.

Conditions:
Wolfram syndrome 1 (WFS1). Identifiers: Orphanet 3463, MedGen C4551693, MONDO:0009101, OMIM 222300.
WFS1-Related Spectrum Disorders.
Autosomal dominant nonsyndromic hearing loss 6 (LFSNHL). Also called: DEAFNESS, AUTOSOMAL DOMINANT 6; DEAFNESS, AUTOSOMAL DOMINANT 14; DEAFNESS, AUTOSOMAL DOMINANT 38; Autosomal dominant nonsyndromic deafness 6; DIDMOAD (Diabetes Insipidus, Diabetes Mellitus, Optic Atrophy, and Deafness). Identifiers: Orphanet 90635, MedGen C1833021, MONDO:0010963, OMIM 600965.

Allele frequency attached by ClinVar (database versions not stated): gnomAD 0.00005 and 0.00006; gnomAD exomes 0.00005; TOPMed 0.00011; 1000 Genomes Project 0.00020; 1000 Genomes Project 30x 0.00031.
gnomAD v4.1: 54 of 1,029,726 alleles (0.0052%); highest among the groups gnomAD compares: Middle Eastern, 0.031%; no homozygotes.

Submissions (3):

Illumina Laboratory Services, Illumina
Classification: Uncertain significance for WFS1-Related Spectrum Disorders. Last evaluated: 2018-01-15. Review status: criteria provided, single submitter. Criteria: ICSL Variant Classification Criteria 13 December 2019. Collection method: clinical testing. Allele origin: germline.

Illumina Laboratory Services, Illumina
Classification: Uncertain significance for Autosomal dominant nonsyndromic hearing loss 6. Last evaluated: 2018-01-15. Review status: criteria provided, single submitter. Criteria: ICSL Variant Classification Criteria 13 December 2019. Collection method: clinical testing. Allele origin: germline.

Clinical Genomics, Uppaluri K&H Personalized Medicine Clinic
Classification: Benign for Wolfram syndrome 1. Review status: criteria provided, single submitter. Criteria: K & H Uppaluri Personalized Medicine Clinic Variant Classification & Assertion Criteria_Updated V.1. Collection method: research. Allele origin: unknown. Inheritance: Autosomal recessive inheritance.
Comment: Potent mutations in WFS1 gene are associated with Wolfram's syndrome, an autosomal recessive condition, which cause diabetes mellitus, diabetes insipidus, deafness and optic atrophy. However no sufficient evidence is found to ascertain the role of this particular variant rs548892128 in Wolfram's syndrome yet.

Literature cited by the submitters: PubMed 20738327 (cited by Clinical Genomics, Uppaluri K&H Personalized Medicine Clinic); PubMed 33879153 (cited by Clinical Genomics, Uppaluri K&H Personalized Medicine Clinic); PubMed 12955714 (cited by Clinical Genomics, Uppaluri K&H Personalized Medicine Clinic); PubMed 18060660 (cited by Clinical Genomics, Uppaluri K&H Personalized Medicine Clinic); PubMed 20301750 (cited by Clinical Genomics, Uppaluri K&H Personalized Medicine Clinic); PubMed 17603484 (cited by Clinical Genomics, Uppaluri K&H Personalized Medicine Clinic).

NM_006005.3(WFS1):c.*158G>A

Gene: WFS1 (wolframin ER transmembrane glycoprotein; plus strand). Cytogenetic location: 4p16.1.
Variant type: single nucleotide variant.
Coding change: c.*158G>A on transcript NM_006005.3 (MANE Select); 158 bases downstream of the stop codon, G replaced by A.
Molecular consequence: 3 prime UTR variant.
Genome position (GRCh38, 1-based): chr4:6,302,626, G>A. VCF-style: chr4-6302626-G-A. GRCh37 (hg19) VCF-style: chr4-6304353-G-A.
Other names: c.*158G>A (NM_001145853.1).
Identifiers: ClinVar variation 906911 (VCV000906911.5), dbSNP rs548892128, ClinGen allele CA91798153.
Genomic context (GRCh38, chr4:6,302,626, plus strand): 5'-CCACGTGTGCAGACTGTGGCTGCAGAGACCTTGCGACCATGTGTAGATTGCGTGGACCCC[G>A]ACAAAGGGAAGGCTGCTGTGTAGCTCTGTCCACTCTGAATACCAAGTGTGTTGGGAATTG-3'